The following is an entry in ClinVar:

ClinVar aggregate classification (germline): Likely pathogenic (1 of 4 stars; one submission).

Conditions:
Familial dysautonomia. Also called: HSAN III; FD. Identifiers: Orphanet 1764, MedGen C0013364, MONDO:0009131, OMIM 223900. Disease mechanism: loss of function.

Submission:

Natera, Inc.
Classification: Likely pathogenic for Familial dysautonomia. Last evaluated: 2024-04-23. Review status: criteria provided, single submitter. Criteria: Natera Variant Classification Schema (03/2026). Collection method: clinical testing. Allele origin: germline.
Comment: The c.608delA variant in ELP1 is a frameshift variant predicted to shift the reading frame beginning at codon 203 and leads to a stop codon 7 codons downstream. This variant is expected to result in nonsense mediated decay, truncation, or a dysfunctional protein product. This variant is rare in the general population with a frequency below the threshold expected for the associated phenotype(s). Given the available evidence, this variant is classified as Likely Pathogenic.

NM_003640.5(ELP1):c.608del (p.Asp203fs)

Gene: ELP1 (elongator acetyltransferase complex subunit 1; minus strand). Cytogenetic location: 9q31.3.
Variant type: Deletion.
Coding change: c.608del on transcript NM_003640.5 (MANE Select); coding-DNA position 608, one base deleted (A; older notation c.608delA).
Protein change: p.Asp203fs; shifts the reading frame from aspartic acid 203.
Molecular consequence: frameshift variant. On other transcripts: intron variant (1).
Genome position (GRCh38, 1-based): chr9:108,919,294, T deleted on the plus strand (A on the coding strand, the reverse complement: ELP1 is on the minus strand). VCF-style (leftmost placement, unchanged base first): chr9-108919293-AT-A. GRCh37 (hg19) VCF-style: chr9-111681573-AT-A.
Other names: c.266del, p.Asp89fs (NM_001318360.2); c.-307-1624del (NM_001330749.2); short protein forms D203fs, D89fs.
Identifiers: ClinVar variation 4815245 (VCV004815245.1).